The following is an entry in ClinVar:

NM_001379500.1(COL18A1):c.107-12293C>T

Gene: COL18A1 (collagen type XVIII alpha 1 chain; plus strand). Cytogenetic location: 21q22.3.
Variant type: single nucleotide variant.
Coding change: c.107-12293C>T on transcript NM_001379500.1 (MANE Select); 12293 bases into the intron before coding-DNA position 107, C replaced by T.
Molecular consequence: intron variant. On other transcripts: missense variant (2).
Genome position (GRCh38, 1-based): chr21:45,455,949, C>T. VCF-style: chr21-45455949-C-T. GRCh37 (hg19) VCF-style: chr21-46875863-C-T.
Other names: c.419C>T, p.Ala140Val (NM_030582.4, NM_130444.3); c.419C>T (NM_030582.3); short protein forms A140V.
Identifiers: ClinVar variation 1425154 (VCV001425154.4), dbSNP rs758099059, ClinGen allele CA10065470.

ClinVar aggregate classification (germline): Uncertain significance. Review status: criteria provided, multiple submitters, no conflicts (2 of 4 stars). 2 submissions from 2 submitters: Uncertain significance (2). Last evaluated 2025-08-19.

Conditions:
COL18A1-related disorder. Also called: COL18A1-related disorders; COL18A1-related condition.

Allele frequency attached by ClinVar (database versions not stated): ExAC 0.00002; gnomAD exomes 0.00002 and 0.00003; TOPMed 0.00005; gnomAD 0.00007.
gnomAD v4.1: 54 of 1,612,954 alleles (0.0033%); highest among the groups gnomAD compares: African/African-American, 0.02%; no homozygotes.

Submissions (2):

PreventionGenetics, part of Exact Sciences
Classification: Uncertain significance for COL18A1-related condition. Last evaluated: 2025-08-19. Review status: criteria provided, single submitter. Criteria: ACMG Guidelines, 2015. Collection method: clinical testing. Allele origin: germline.
Comment: The COL18A1 c.419C>T variant is predicted to result in the amino acid substitution p.Ala140Val. To our knowledge, this variant has not been reported in the literature. This variant is reported in 0.0086% of alleles in individuals of African descent in gnomAD. At this time, the clinical significance of this variant is uncertain due to the absence of conclusive functional and genetic evidence.

Labcorp Genetics (formerly Invitae), Labcorp
Classification: Uncertain significance. Last evaluated: 2022-07-19. Review status: criteria provided, single submitter. Criteria: Invitae Variant Classification Sherloc (09022015). Collection method: clinical testing. Allele origin: germline.
Comment: The COL18A1 gene has multiple clinically relevant transcripts. This variant occurs in alternate transcript NM_030582.4, and corresponds to NM_130445.2:c.107-12293C>T in the primary transcript. This sequence change replaces alanine, which is neutral and non-polar, with valine, which is neutral and non-polar, at codon 140 of the COL18A1 protein (p.Ala140Val). This variant is present in population databases (rs758099059, gnomAD 0.009%). This variant has not been reported in the literature in individuals affected with COL18A1-related conditions. ClinVar contains an entry for this variant (Variation ID: 1425154). Experimental studies and prediction algorithms are not available or were not evaluated, and the functional significance of this variant is currently unknown. In summary, the available evidence is currently insufficient to determine the role of this variant in disease. Therefore, it has been classified as a Variant of Uncertain Significance.